The following is an entry in ClinVar:

ClinVar aggregate classification (germline): Uncertain significance (1 of 4 stars; one submission).

Conditions:
Inborn genetic diseases. Identifiers: MedGen C0950123, MeSH D030342.

Submission:

Ambry Genetics
Classification: Uncertain significance for Inborn genetic diseases. Last evaluated: 2022-08-11. Review status: criteria provided, single submitter. Criteria: Ambry Variant Classification Scheme 2023. Collection method: clinical testing. Allele origin: germline.
Comment: The c.306-6dupC alteration is located in Intron 3 (E) of the MED25 gene. This alteration consists of a duplication of 1 nucleotides between nucleotide positions c.306-6 and c.306-6 within Intron 3 (E). Based on insufficient or conflicting evidence, the clinical significance of this alteration remains unclear.

NM_030973.4(MED25):c.306-6dup

Gene: MED25 (mediator complex subunit 25; plus strand). Cytogenetic location: 19q13.33.
Variant type: Duplication.
Coding change: c.306-6dup on transcript NM_030973.4 (MANE Select); 6 bases into the intron before coding-DNA position 306, one base duplicated (C; older notation c.306-6dupC).
Molecular consequence: intron variant.
Genome position (GRCh38, 1-based): chr19:49,828,443, C duplicated; the last of 4 consecutive C bases (chr19:49,828,440-49,828,443); duplicating any one gives the same sequence. VCF-style (leftmost placement, unchanged base first): chr19-49828439-G-GC. GRCh37 (hg19) VCF-style: chr19-50331696-G-GC.
Other names: c.306-6dup (NM_001378355.1).
Identifiers: ClinVar variation 2301894 (VCV002301894.2), dbSNP rs1282734743, ClinGen allele CA633658903.